The following is an entry in ClinVar:

ClinVar aggregate classification (germline): Pathogenic (1 of 4 stars; one submission).

Submission:

Labcorp Genetics (formerly Invitae), Labcorp
Classification: Pathogenic. Last evaluated: 2024-03-07. Review status: criteria provided, single submitter. Criteria: Invitae Variant Classification Sherloc (09022015). Collection method: clinical testing. Allele origin: germline.
Comment: This sequence change results in a frameshift in the MOCS2B gene (p.Glu172Valfs*39). While this is not anticipated to result in nonsense mediated decay, it is expected to disrupt the last 17 amino acid(s) of the MOCS2B protein and extend the protein by 21 additional amino acid residues. This variant is not present in population databases (gnomAD no frequency). This variant has not been reported in the literature in individuals affected with MOCS2B-related conditions. This variant results in an extension of the MOCS2B protein. Other variant(s) that result in a similarly extended protein product ( p.Lys180Argfs*31) have been determined to be pathogenic (PMID: 9459218, 10053004, 23436702, 33502714). This suggests that these extensions are likely to be disease-causing. For these reasons, this variant has been classified as Pathogenic.

Literature cited by the submitters: PubMed 9459218; PubMed 10053004; PubMed 23436702; PubMed 33502714.

NM_004531.5(MOCS2):c.515_516del (p.Glu172fs)

Gene: MOCS2 (molybdenum cofactor synthesis 2; minus strand). Cytogenetic location: 5q11.2.
Variant type: Microsatellite.
Coding change: c.515_516del on transcript NM_004531.5 (MANE Select); coding-DNA positions 515 to 516, 2 bases deleted (AG; older notation c.515_516delAG).
Protein change: p.Glu172fs; shifts the reading frame from glutamic acid 172.
Molecular consequence: frameshift variant. On other transcripts: 3 prime UTR variant (1).
Genome position (GRCh38, 1-based): chr5:53,098,653-53,098,654, CT deleted on the plus strand (AG on the coding strand, the reverse complement: MOCS2 is on the minus strand); deleting any 2 consecutive bases within chr5:53,098,653-53,098,656 gives the same sequence; the c. name uses the placement nearest the transcript's 3' end. VCF-style (leftmost placement, unchanged base first): chr5-53098652-ACT-A. GRCh37 (hg19) VCF-style: chr5-52394482-ACT-A.
Other names: c.*433AG[1] (NM_176806.4); short protein forms E172fs.
Identifiers: ClinVar variation 3645068 (VCV003645068.2).